The following is an entry in ClinVar:

ClinVar aggregate classification (germline): Pathogenic (1 of 4 stars; one submission).

Conditions:
Isolated aniridia. Also called: Nonsyndromic aniridia. Identifiers: Orphanet 250923, MedGen CN295308, MONDO:0007119.

Submission:

Genetics Department, University Hospital of Toulouse
Classification: Pathogenic for Isolated aniridia. Last evaluated: 2025-10-05. Review status: criteria provided, single submitter. Criteria: ACMG/ClinGen CNV Guidelines, 2019. Collection method: clinical testing. Allele origin: germline. Affected: yes.
Comment: It is located 3' from PAX6 and is predited to dysregulate gene's expression. It was classified as Pathogenic.

NC_000011.10:g.(31780037_44652946)inv

Gene: PAX6 (paired box 6; minus strand).
Variant type: Inversion.
Identifiers: ClinVar variation 4796502 (VCV004796502.1).